The following is an entry in ClinVar:

NM_000465.4(BARD1):c.1686T>C (p.Thr562=)

Gene: BARD1 (BRCA1 associated RING domain 1; minus strand). Cytogenetic location: 2q35.
Variant type: single nucleotide variant.
Coding change: c.1686T>C on transcript NM_000465.4 (MANE Select); coding-DNA position 1686, T replaced by C.
Protein change: p.Thr562=; no amino-acid change (threonine 562 retained).
Molecular consequence: synonymous variant. On other transcripts: non-coding transcript variant (3), intron variant (1).
Genome position (GRCh38, 1-based): chr2:214,745,846, A>G on the plus strand (T>C on the coding strand, the complement: BARD1 is on the minus strand). VCF-style: chr2-214745846-A-G. GRCh37 (hg19) VCF-style: chr2-215610570-A-G.
Other names: c.1629T>C, p.Thr543= (NM_001282543.2); c.333T>C, p.Thr111= (NM_001282545.2); c.276T>C, p.Thr92= (NM_001282548.2); c.365-15338T>C (NM_001282549.2); c.1686T>C (NM_000465.2).
Identifiers: ClinVar variation 3378581 (VCV003378581.2).

ClinVar aggregate classification (germline): Benign/Likely benign. Review status: criteria provided, multiple submitters, no conflicts (2 of 4 stars). 2 submissions from 2 submitters: Benign (1); Likely benign (1). Last evaluated 2025-06-13.

Conditions:
Hereditary cancer-predisposing syndrome. Also called: Neoplastic Syndromes, Hereditary; Tumor predisposition; Hereditary Cancer Syndrome; Hereditary neoplastic syndrome. Identifiers: Orphanet 140162, MedGen C0027672, MeSH D009386, MONDO:0015356.
Familial cancer of breast. Also called: hereditary breast carcinoma; Hereditary breast cancer; BREAST CANCER, FAMILIAL. Identifiers: Orphanet 227535, MedGen C0346153, MONDO:0016419, OMIM 114480. Disease mechanism: loss of function.

Submissions (2):

Ambry Genetics
Classification: Likely benign for Hereditary cancer-predisposing syndrome. Last evaluated: 2025-06-13. Review status: criteria provided, single submitter. Criteria: Ambry Variant Classification Scheme 2023. Collection method: clinical testing. Allele origin: germline.

Myriad Genetics, Inc.
Classification: Benign for Familial cancer of breast. Last evaluated: 2024-07-26. Review status: criteria provided, single submitter. Criteria: Myriad Autosomal Dominant, Autosomal Recessive and X-Linked Classification Criteria (2023). Collection method: clinical testing. Allele origin: unknown.
Comment: This variant is considered benign. This variant is a silent/synonymous amino acid change and it is not expected to impact splicing.